The following is an entry in ClinVar:

ClinVar aggregate classification (germline): Uncertain significance. Review status: criteria provided, multiple submitters, no conflicts (2 of 4 stars). 2 submissions from 2 submitters: Uncertain significance (2). Last evaluated 2021-09-01.

Conditions:
Adenylosuccinate lyase deficiency (ADSLD). Also called: ADSL DEFICIENCY. Identifiers: Orphanet 46, MedGen C0268126, MONDO:0007068, OMIM 103050.

Allele frequency attached by ClinVar (database versions not stated): gnomAD exomes below 0.00001; ExAC 0.00001.

Submissions (2):

Labcorp Genetics (formerly Invitae), Labcorp
Classification: Uncertain significance for Adenylosuccinate lyase deficiency. Last evaluated: 2021-09-01. Review status: criteria provided, single submitter. Criteria: Invitae Variant Classification Sherloc (09022015). Collection method: clinical testing. Allele origin: germline.
Comment: This sequence change replaces alanine with glycine at codon 206 of the ADSL protein (p.Ala206Gly). The alanine residue is highly conserved and there is a small physicochemical difference between alanine and glycine. This variant is present in population databases (rs746848060, ExAC 0.002%). This variant has not been reported in the literature in individuals affected with ADSL-related conditions. Algorithms developed to predict the effect of missense changes on protein structure and function are either unavailable or do not agree on the potential impact of this missense change (SIFT: "Tolerated"; PolyPhen-2: "Probably Damaging"; Align-GVGD: "Class C0"). In summary, the available evidence is currently insufficient to determine the role of this variant in disease. Therefore, it has been classified as a Variant of Uncertain Significance.

Baylor Genetics
Classification: Uncertain significance for Adenylosuccinate lyase deficiency. Last evaluated: 2018-06-11. Review status: criteria provided, single submitter. Criteria: ACMG Guidelines, 2015. Collection method: clinical testing. Allele origin: unknown. Affected: yes.
Comment: This variant was determined to be of uncertain significance according to ACMG Guidelines, 2015 [PMID:25741868].

NM_000026.4(ADSL):c.617C>G (p.Ala206Gly)

Gene: ADSL (adenylosuccinate lyase; plus strand). Cytogenetic location: 22q13.1.
Variant type: single nucleotide variant.
Coding change: c.617C>G on transcript NM_000026.4 (MANE Select); coding-DNA position 617, C replaced by G.
Protein change: p.Ala206Gly; replaces alanine 206 with glycine.
Molecular consequence: missense variant. On other transcripts: non-coding transcript variant (1).
Genome position (GRCh38, 1-based): chr22:40,358,998, C>G. VCF-style: chr22-40358998-C-G. GRCh37 (hg19) VCF-style: chr22-40755002-C-G.
Other names: c.617C>G, p.Ala206Gly (NM_001123378.3, NM_001363840.3); c.425C>G, p.Ala142Gly (NM_001317923.2); short protein forms A142G, A206G.
Identifiers: ClinVar variation 1033600 (VCV001033600.6), dbSNP rs746848060, ClinGen allele CA10247767.